The following is an entry in ClinVar:

ClinVar aggregate classification (germline): Uncertain significance (1 of 4 stars; one submission).

Submission:

Ambry Genetics
Classification: Uncertain significance. Last evaluated: 2025-11-08. Review status: criteria provided, single submitter. Criteria: Ambry Variant Classification Scheme 2023. Collection method: clinical testing. Allele origin: germline.
Comment: The p.D679E variant (also known as c.2037T>A), located in coding exon 3 of the CDK12 gene, results from a T to A substitution at nucleotide position 2037. The aspartic acid at codon 679 is replaced by glutamic acid, an amino acid with highly similar properties. This amino acid position is conserved. In addition, this alteration is predicted to be tolerated by in silico analysis. Based on the available evidence, the clinical significance of this variant remains unclear.

NM_016507.4(CDK12):c.2037T>A (p.Asp679Glu)

Gene: CDK12 (cyclin dependent kinase 12; plus strand). Cytogenetic location: 17q12.
Variant type: single nucleotide variant.
Coding change: c.2037T>A on transcript NM_016507.4 (MANE Select); coding-DNA position 2037, T replaced by A.
Protein change: p.Asp679Glu; replaces aspartic acid 679 with glutamic acid.
Molecular consequence: missense variant.
Genome position (GRCh38, 1-based): chr17:39,490,662, T>A. VCF-style: chr17-39490662-T-A. GRCh37 (hg19) VCF-style: chr17-37646915-T-A.
Other names: c.2037T>A, p.Asp679Glu (NM_015083.4); short protein forms D679E.
Identifiers: ClinVar variation 4651437 (VCV004651437.1).